The following is an entry in ClinVar:

NM_003413.4(ZIC3):c.889T>A (p.Cys297Ser)

Gene: ZIC3 (Zic family zinc finger 3; plus strand). Cytogenetic location: Xq26.3.
Variant type: single nucleotide variant.
Coding change: c.889T>A on transcript NM_003413.4 (MANE Select); coding-DNA position 889, T replaced by A.
Protein change: p.Cys297Ser; replaces cysteine 297 with serine.
Molecular consequence: missense variant.
Genome position (GRCh38, 1-based): chrX:137,567,580, T>A. VCF-style: chrX-137567580-T-A. GRCh37 (hg19) VCF-style: chrX-136649739-T-A.
Other names: c.889T>A, p.Cys297Ser (NM_001330661.1); short protein forms C297S.
Identifiers: ClinVar variation 5007689 (VCV005007689.1).

ClinVar aggregate classification (germline): Uncertain significance (1 of 4 stars; one submission).

Conditions:
Heterotaxy, visceral, 1, X-linked (HTX1). Also called: DEXTROCARDIA WITH OTHER CARDIAC MALFORMATIONS; SITUS INVERSUS, COMPLEX CARDIAC DEFECTS, AND SPLENIC DEFECTS, X-LINKED; Laterality, X-linked; Visceral heterotaxia. Identifiers: Orphanet 450, MedGen C1844020, MONDO:0010607, OMIM 306955.
VACTERL association, X-linked, with or without hydrocephalus (VACTERLX). Also called: X-linked VACTERL-H syndrome; VACTERL ASSOCIATION, X-LINKED; VACTERL-H, X-LINKED; VACTERL Association with Hydrocephalus, X-linked. Identifiers: Orphanet 3412, MedGen C2931228, MONDO:0010752, OMIM 314390.

Submission:

Juno Genomics, Hangzhou Juno Genomics, Inc
Classification: Uncertain significance for Heterotaxy, visceral, 1, X-linked; VACTERL association, X-linked, with or without hydrocephalus. Review status: criteria provided, single submitter. Criteria: ACMG Guidelines, 2015. Collection method: clinical testing. Allele origin: germline. Affected: yes.
Comment: Absent from controls (or at extremely low frequency if recessive) in Genome Aggregation Database.;Multiple lines of computational evidence support a deleterious effect on the gene or gene product.